The following is an entry in ClinVar:

ClinVar aggregate classification (germline): Uncertain significance (1 of 4 stars; one submission).

Conditions:
Waardenburg syndrome type 2A (WS2A). Also called: WAARDENBURG SYNDROME WITHOUT DYSTOPIA CANTHORUM. Identifiers: Orphanet 3440, MedGen C1860339, MONDO:0008671, OMIM 193510.
Melanoma, cutaneous malignant, susceptibility to, 8. Also called: Cutaneous malignant melanoma 8; MELANOMA AND RENAL CELL CARCINOMA, SUSCEPTIBILITY TO. Identifiers: Orphanet 293822, MedGen C3152204, MONDO:0013759, OMIM 614456.
Tietz syndrome (TADS). Also called: ALBINISM-DEAFNESS OF TIETZ; TIETZ ALBINISM-DEAFNESS SYNDROME; HYPOPIGMENTATION/DEAFNESS OF TIETZ. Identifiers: Orphanet 42665, MedGen C0391816, MONDO:0007077, OMIM 103500.

Submission:

Labcorp Genetics (formerly Invitae), Labcorp
Classification: Uncertain significance for Melanoma, cutaneous malignant, susceptibility to, 8; Waardenburg syndrome type 2A; Tietz syndrome. Last evaluated: 2022-08-12. Review status: criteria provided, single submitter. Criteria: Invitae Variant Classification Sherloc (09022015). Collection method: clinical testing. Allele origin: germline.
Comment: In summary, the available evidence is currently insufficient to determine the role of this variant in disease. Therefore, it has been classified as a Variant of Uncertain Significance. Algorithms developed to predict the effect of sequence changes on RNA splicing suggest that this variant may disrupt the consensus splice site. This variant has not been reported in the literature in individuals affected with MITF-related conditions. This variant is not present in population databases (gnomAD no frequency). This sequence change falls in intron 2 of the MITF gene. It does not directly change the encoded amino acid sequence of the MITF protein.

NM_001354604.2(MITF):c.583-14_583-3del

Gene: MITF (melanocyte inducing transcription factor; plus strand). Cytogenetic location: 3p13.
Variant type: Deletion.
Coding change: c.583-14_583-3del on transcript NM_001354604.2 (MANE Select); 14 bases into the intron before coding-DNA position 583 through 3 bases into the intron before coding-DNA position 583, 12 bases deleted (TTGTGTTTTTGC).
Molecular consequence: intron variant.
Genome position (GRCh38, 1-based): chr3:69,939,084-69,939,095, TTGTGTTTTTGC deleted; deleting any 12 consecutive bases within chr3:69,939,075-69,939,095 gives the same sequence; the c. name uses the placement nearest the transcript's 3' end. VCF-style (leftmost placement, unchanged base first): chr3-69939074-CTGTTTTTGCTTG-C. GRCh37 (hg19) VCF-style: chr3-69988225-CTGTTTTTGCTTG-C.
Other names: c.532-14_532-3del (NM_001354607.2); c.427-14_427-3del (NM_001354608.2, NM_001184967.2); c.583-14_583-3del (NM_198159.3); c.580-14_580-3del (NM_001354605.2, NM_001354606.2, NM_006722.3); c.535-14_535-3del (NM_198177.3); c.262-14_262-3del (NM_000248.4, NM_198158.3); c.94-14_94-3del (NM_198178.3).
Identifiers: ClinVar variation 2023837 (VCV002023837.4), dbSNP rs2471590969, ClinGen allele CA2580070412.